The following is an entry in ClinVar:

NM_001009999.3(KDM1A):c.47C>T (p.Ala16Val)

Gene: KDM1A (lysine demethylase 1A; plus strand). Cytogenetic location: 1p36.12.
Variant type: single nucleotide variant.
Coding change: c.47C>T on transcript NM_001009999.3 (MANE Select); coding-DNA position 47, C replaced by T.
Protein change: p.Ala16Val; replaces alanine 16 with valine.
Molecular consequence: missense variant.
Genome position (GRCh38, 1-based): chr1:23,019,643, C>T. VCF-style: chr1-23019643-C-T. GRCh37 (hg19) VCF-style: chr1-23346136-C-T.
Other names: c.47C>T, p.Ala16Val (NM_001363654.2, NM_001410762.1, NM_001410763.1 and 1 more transcripts); short protein forms A16V.
Identifiers: ClinVar variation 3697469 (VCV003697469.2).

ClinVar aggregate classification (germline): Uncertain significance (1 of 4 stars; one submission).

gnomAD v4.1: 3 of 1,410,700 alleles (0.00021%); highest among the groups gnomAD compares: African/African-American, 0.003%; no homozygotes.

Submission:

Labcorp Genetics (formerly Invitae), Labcorp
Classification: Uncertain significance. Last evaluated: 2024-09-08. Review status: criteria provided, single submitter. Criteria: Invitae Variant Classification Sherloc (09022015). Collection method: clinical testing. Allele origin: germline.
Comment: This sequence change replaces alanine, which is neutral and non-polar, with valine, which is neutral and non-polar, at codon 16 of the KDM1A protein (p.Ala16Val). This variant is not present in population databases (gnomAD no frequency). This variant has not been reported in the literature in individuals affected with KDM1A-related conditions. An algorithm developed to predict the effect of missense changes on protein structure and function (PolyPhen-2) suggests that this variant is likely to be tolerated. In summary, the available evidence is currently insufficient to determine the role of this variant in disease. Therefore, it has been classified as a Variant of Uncertain Significance.